The following is an entry in ClinVar:

ClinVar aggregate classification (germline): Uncertain significance (1 of 4 stars; one submission).

Conditions:
DNMT3A-related disorder. Also called: DNMT3A-related disorders; DNMT3A-related condition.

Submission:

PreventionGenetics, part of Exact Sciences
Classification: Uncertain significance for DNMT3A-related condition. Last evaluated: 2026-07-16. Review status: criteria provided, single submitter. Criteria: ACMG Guidelines, 2015. Collection method: clinical testing. Allele origin: germline.
Comment: The DNMT3A c.1412T>C variant is predicted to result in the amino acid substitution p.Ile471Thr. To our knowledge, this variant has not been reported in the literature or in a large population database (gnomAD), indicating this variant is rare. At this time, the clinical significance of this variant is uncertain due to the absence of conclusive functional and genetic evidence.

NM_022552.5(DNMT3A):c.1412T>C (p.Ile471Thr)

Gene: DNMT3A (DNA methyltransferase 3 alpha; minus strand). Cytogenetic location: 2p23.3.
Variant type: single nucleotide variant.
Coding change: c.1412T>C on transcript NM_022552.5 (MANE Select); coding-DNA position 1412, T replaced by C.
Protein change: p.Ile471Thr; replaces isoleucine 471 with threonine.
Molecular consequence: missense variant. On other transcripts: non-coding transcript variant (1).
Genome position (GRCh38, 1-based): chr2:25,246,177, A>G on the plus strand (T>C on the coding strand, the complement: DNMT3A is on the minus strand). VCF-style: chr2-25246177-A-G. GRCh37 (hg19) VCF-style: chr2-25469046-A-G.
Other names: c.956T>C, p.Ile319Thr (NM_001320893.1); c.743T>C, p.Ile248Thr (NM_001375819.1); c.845T>C, p.Ile282Thr (NM_153759.3); c.1412T>C, p.Ile471Thr (NM_175629.2); short protein forms I282T, I471T, I248T, I319T.
Identifiers: ClinVar variation 4984558 (VCV004984558.1).
Genomic context (GRCh38, chr2:25,246,177, plus strand): 5'-GCAGGCCTCCTGGTGCCACCCTCTCCAGAAGCAGGCCAACTACCTCTTGTGCGCTCATCA[A>G]TAATCTCCTTGACCTTGGGCTTCTCCGCTGTGCTCTTCCGGGGCTTTTTGGCTGGTGGAG-3'
Protein context (NP_072046.2, residues 461-481): TAEKPKVKEI[Ile471Thr]DERTRERLVY